The following is an entry in ClinVar:

NM_001134407.3(GRIN2A):c.3827C>G (p.Ala1276Gly)

Gene: GRIN2A (glutamate ionotropic receptor NMDA type subunit 2A; minus strand). Cytogenetic location: 16p13.2.
Variant type: single nucleotide variant.
Coding change: c.3827C>G on transcript NM_001134407.3 (MANE Select); coding-DNA position 3827, C replaced by G.
Protein change: p.Ala1276Gly; replaces alanine 1276 with glycine.
Molecular consequence: missense variant. On other transcripts: intron variant (1).
Genome position (GRCh38, 1-based): chr16:9,763,717, G>C on the plus strand (C>G on the coding strand, the complement: GRIN2A is on the minus strand). VCF-style: chr16-9763717-G-C. GRCh37 (hg19) VCF-style: chr16-9857574-G-C.
Other names: c.3827C>G, p.Ala1276Gly (NM_000833.5); c.3772+55C>G (NM_001134408.2); short protein forms A1276G.
Identifiers: ClinVar variation 205679 (VCV000205679.62), dbSNP rs145063086, ClinGen allele CA314990.
Genomic context (GRCh38, chr16:9,763,717, plus strand): 5'-ACAATGTTATCGTAGGAATGCTGACGGCTAATCCTTAGCTTGTTCTTTTGTAATTGAAGG[G>C]CATTGTTCTGTGCCCAGTCCTGCTGGTAGACCTGCTCCCCGGTGGCTGGGTTACCTGTCT-3'
Protein context (NP_001127879.1, residues 1266-1286): VYQQDWAQNN[Ala1276Gly]LQLQKNKLRI

ClinVar aggregate classification (germline): Conflicting classifications of pathogenicity. Review status: criteria provided, conflicting classifications (1 of 4 stars). 14 submissions from 14 submitters: Uncertain significance (3); Benign (3); Likely benign (7). 1 of the submissions does not count toward it. Last evaluated 2026-08-01.

Conditions:
GRIN2A-related complex neurodevelopmental disorder. Also called: GRIN2A-related disorder; GRIN2A-related condition. Identifiers: MedGen CN379781, MONDO:1060139.
Inborn genetic diseases. Identifiers: MedGen C0950123, MeSH D030342.
Landau-Kleffner syndrome (FESD). Also called: APHASIA, ACQUIRED, WITH EPILEPSY; EPILEPSY, FOCAL, WITH SPEECH DISORDER AND WITH OR WITHOUT MENTAL RETARDATION. Identifiers: Orphanet 1945, Orphanet 725, Orphanet 98818, MedGen C0282512, MONDO:0009509, OMIM 245570.
Focal epilepsy. Also called: partial epilepsy. Identifiers: MedGen C0014547, MeSH D004828, MONDO:0005384.

Allele frequency attached by ClinVar (database versions not stated): 1000 Genomes Project 30x 0.00016; 1000 Genomes Project 0.00020; ExAC 0.00054; gnomAD exomes 0.00057 and 0.00097; TOPMed 0.00059; gnomAD 0.00067 and 0.00068; ESP Exome Variant Server 0.00077.
gnomAD v4.1: 1,494 of 1,614,068 alleles (0.093%); highest among the groups gnomAD compares: Non-Finnish European, 0.12%; 4 homozygotes.

Submissions (14):

CeGaT Center for Human Genetics Tuebingen
Classification: Likely benign. Last evaluated: 2026-08-01. Review status: criteria provided, single submitter. Criteria: CeGaT Center For Human Genetics Tuebingen Variant Classification Criteria Version 2. Collection method: clinical testing. Allele origin: germline. Affected: yes. Observed: 13 variant alleles.
Comment: GRIN2A: BP4, BS1

Labcorp Genetics (formerly Invitae), Labcorp
Classification: Likely benign for Landau-Kleffner syndrome. Last evaluated: 2026-02-02. Review status: criteria provided, single submitter. Criteria: Invitae Variant Classification Sherloc (09022015). Collection method: clinical testing. Allele origin: germline.

Blueprint Genetics
Classification: Likely benign. Last evaluated: 2024-11-22. Review status: criteria provided, single submitter. Criteria: ACMG Guidelines, 2015. Collection method: clinical testing. Allele origin: germline.

Mayo Clinic Laboratories, Mayo Clinic
Classification: Benign. Last evaluated: 2024-02-05. Review status: criteria provided, single submitter. Criteria: ACMG Guidelines, 2015. Collection method: clinical testing. Allele origin: germline. Observed: 2 variant alleles.
Comment: BS1, BS2, BS4, BP4, BP5

Ambry Genetics
Classification: Likely benign for Inborn genetic diseases. Last evaluated: 2021-07-13. Review status: criteria provided, single submitter. Criteria: Ambry Variant Classification Scheme 2023. Collection method: clinical testing. Allele origin: germline.

GeneDx
Classification: Likely benign. Last evaluated: 2020-12-29. Review status: criteria provided, single submitter. Criteria: GeneDx Variant Classification Process June 2021. Collection method: clinical testing. Allele origin: germline. Affected: yes.
Comment: This variant is associated with the following publications: (PMID: 23933820, 25164438)

Mendelics
Classification: Likely benign for Landau-Kleffner syndrome. Last evaluated: 2019-05-28. Review status: criteria provided, single submitter. Criteria: Mendelics Assertion Criteria 2017. Collection method: clinical testing. Allele origin: unknown.

Athena Diagnostics
Classification: Benign. Last evaluated: 2019-04-26. Review status: criteria provided, single submitter. Criteria: Athena Diagnostics Criteria. Collection method: clinical testing. Allele origin: germline.

Illumina Laboratory Services, Illumina
Classification: Benign for Landau-Kleffner syndrome. Last evaluated: 2018-01-13. Review status: criteria provided, single submitter. Criteria: ICSL Variant Classification Criteria 13 December 2019. Collection method: clinical testing. Allele origin: germline.
Comment: This variant was observed in the ICSL laboratory as part of a predisposition screen in an ostensibly healthy population. It had not been previously curated by ICSL or reported in the Human Gene Mutation Database (HGMD: prior to June 1st, 2018), and was therefore a candidate for classification through an automated scoring system. Utilizing variant allele frequency, disease prevalence and penetrance estimates, and inheritance mode, an automated score was calculated to assess if this variant is too frequent to cause the disease. Based on the score and internal cut-off values, a variant classified as benign is not then subjected to further curation. The score for this variant resulted in a classification of benign for this disease.

Eurofins Ntd Llc (ga)
Classification: Uncertain significance. Last evaluated: 2018-01-04. Review status: criteria provided, single submitter. Criteria: EGL Classification Definitions 2015. Collection method: clinical testing. Allele origin: germline. Observed: 2 variant alleles, 2 heterozygotes.

Center for Pediatric Genomic Medicine, Children's Mercy Hospital and Clinics
Classification: Likely benign. Last evaluated: 2017-09-15. Review status: criteria provided, single submitter. Criteria: ACMG Guidelines, 2015. Collection method: clinical testing. Allele origin: germline.

Neurogenetics Laboratory - MEYER, AOU Meyer
Classification: Uncertain significance for Focal epilepsy. Last evaluated: 2016-11-16. Review status: criteria provided, single submitter. Criteria: ACMG Guidelines, 2015. Collection method: clinical testing. Allele origin: unknown. Affected: yes. Observed: 1 heterozygote.

Genetic Services Laboratory, University of Chicago
Classification: Uncertain significance. Last evaluated: 2015-07-28. Review status: criteria provided, single submitter. Criteria: ACMG Guidelines, 2015. Collection method: clinical testing. Allele origin: germline.

PreventionGenetics, part of Exact Sciences
Classification: Likely benign for GRIN2A-related condition. Last evaluated: 2021-01-28. Review status: no assertion criteria provided. Collection method: clinical testing. Allele origin: germline. Not counted in ClinVar's aggregate classification.
Comment: This variant is classified as likely benign based on ACMG/AMP sequence variant interpretation guidelines (Richards et al. 2015 PMID: 25741868, with internal and published modifications).

Literature cited by the submitters: PubMed 23933820 (cited by Mayo Clinic Laboratories, Mayo Clinic and Athena Diagnostics); PubMed 25164438 (cited by Mayo Clinic Laboratories, Mayo Clinic and Athena Diagnostics); PubMed 23933819 (cited by Athena Diagnostics); PubMed 29124671 (cited by Athena Diagnostics); PubMed 27640074 (cited by Athena Diagnostics).